The following is an entry in ClinVar:

NM_012179.4(FBXO7):c.133C>T (p.Arg45Ter)

Gene: FBXO7 (F-box protein 7; plus strand). Cytogenetic location: 22q12.3.
Variant type: single nucleotide variant.
Coding change: c.133C>T on transcript NM_012179.4 (MANE Select); coding-DNA position 133, C replaced by T.
Protein change: p.Arg45Ter; replaces arginine 45 with a stop codon.
Molecular consequence: nonsense. On other transcripts: 5 prime UTR variant (1), intron variant (1).
Genome position (GRCh38, 1-based): chr22:32,478,991, C>T. VCF-style: chr22-32478991-C-T. GRCh37 (hg19) VCF-style: chr22-32874978-C-T.
Other names: c.-210C>T (NM_001257990.2); c.38-142C>T (NM_001033024.2); short protein forms R45*.
Identifiers: ClinVar variation 2661902 (VCV002661902.5), dbSNP rs1370252127, ClinGen allele CA411330143.

ClinVar aggregate classification (germline): Pathogenic/Likely pathogenic. Review status: criteria provided, multiple submitters, no conflicts (2 of 4 stars). 3 submissions from 3 submitters: Pathogenic (1); Likely pathogenic (1). 1 of the submissions does not count toward it. Last evaluated 2023-12-09.

Conditions:
Parkinsonian-pyramidal syndrome. Also called: PALLIDOPYRAMIDAL SYNDROME; PARKINSON DISEASE 15, AUTOSOMAL RECESSIVE; PARKINSON DISEASE 15, AUTOSOMAL RECESSIVE EARLY-ONSET. Identifiers: Orphanet 171695, MedGen C1850100, MONDO:0009830, OMIM 260300.

Allele frequency attached by ClinVar (database versions not stated): gnomAD 0.00001; TOPMed 0.00001.
gnomAD v4.1: 17 of 1,613,960 alleles (0.0011%); highest among the groups gnomAD compares: Non-Finnish European, 0.0014%; no homozygotes.

Submissions (3):

Labcorp Genetics (formerly Invitae), Labcorp
Classification: Pathogenic for Parkinsonian-pyramidal syndrome. Last evaluated: 2023-12-09. Review status: criteria provided, single submitter. Criteria: Invitae Variant Classification Sherloc (09022015). Collection method: clinical testing. Allele origin: germline.
Comment: This sequence change creates a premature translational stop signal (p.Arg45*) in the FBXO7 gene. It is expected to result in an absent or disrupted protein product. Loss-of-function variants in FBXO7 are known to be pathogenic (PMID: 21347293). This variant is present in population databases (no rsID available, gnomAD 0.0009%). This variant has not been reported in the literature in individuals affected with FBXO7-related conditions. For these reasons, this variant has been classified as Pathogenic.

Department of Pathology and Laboratory Medicine, Sinai Health System
Classification: Likely pathogenic for Parkinsonian-pyramidal syndrome. Last evaluated: 2022-11-10. Review status: criteria provided, single submitter. Criteria: ACMG Guidelines, 2015. Collection method: research. Allele origin: germline.

Clinical Genetics Laboratory, University Hospital Schleswig-Holstein
Classification: Pathogenic for Parkinsonian-pyramidal syndrome. Last evaluated: 2022-09-29. Review status: no assertion criteria provided. Collection method: clinical testing. Allele origin: germline. Affected: yes. Not counted in ClinVar's aggregate classification.

Literature cited by the submitters: PubMed 21347293 (cited by Labcorp Genetics (formerly Invitae), Labcorp).